The following is an entry in ClinVar:

NM_003803.4(MYOM1):c.3283A>G (p.Ile1095Val)

Gene: MYOM1 (myomesin 1; minus strand). Cytogenetic location: 18p11.31.
Variant type: single nucleotide variant.
Coding change: c.3283A>G on transcript NM_003803.4 (MANE Select); coding-DNA position 3283, A replaced by G.
Protein change: p.Ile1095Val; replaces isoleucine 1095 with valine.
Molecular consequence: missense variant.
Genome position (GRCh38, 1-based): chr18:3,116,351, T>C on the plus strand (A>G on the coding strand, the complement: MYOM1 is on the minus strand). VCF-style: chr18-3116351-T-C. GRCh37 (hg19) VCF-style: chr18-3116349-T-C.
Other names: c.2995A>G, p.Ile999Val (NM_019856.2); short protein forms I1095V, I999V.
Identifiers: ClinVar variation 847458 (VCV000847458.7), dbSNP rs201308522, ClinGen allele CA8874366.
Genomic context (GRCh38, chr18:3,116,351, plus strand): 5'-CAGTTAGTAGAGGAAGCTCTAGAACTGAGCAGCCTCTTACCTTCAGGTATACGTTTTTAA[T>C]AGCCGCCTCATTGAGCCCTCGCCACTGGTCTTCTTTGGCCTTGGCCTCCTTCAAGTCCAC-3'
Protein context (NP_003794.3, residues 1085-1105): DQWRGLNEAA[Ile1095Val]KNVYLKVRGL

ClinVar aggregate classification (germline): Uncertain significance (1 of 4 stars; one submission).

Conditions:
Hypertrophic cardiomyopathy. Also called: HYPERTROPHIC MYOCARDIOPATHY. Identifiers: Orphanet 217569, MedGen C0007194, MeSH D002312, MONDO:0005045, HP:0001639.

Allele frequency attached by ClinVar (database versions not stated): ExAC 0.00002; ESP Exome Variant Server 0.00008; gnomAD exomes 0.00002 and 0.00001; gnomAD 0.00003; TOPMed 0.00003.
gnomAD v4.1: 22 of 1,611,760 alleles (0.0014%); highest among the groups gnomAD compares: Non-Finnish European, 0.0015%; no homozygotes.

Submission:

Labcorp Genetics (formerly Invitae), Labcorp
Classification: Uncertain significance for Hypertrophic cardiomyopathy. Last evaluated: 2025-12-14. Review status: criteria provided, single submitter. Criteria: Invitae Variant Classification Sherloc (09022015). Collection method: clinical testing. Allele origin: germline.
Comment: This sequence change replaces isoleucine, which is neutral and non-polar, with valine, which is neutral and non-polar, at codon 1095 of the MYOM1 protein (p.Ile1095Val). This variant is present in population databases (rs201308522, gnomAD 0.005%). This variant has not been reported in the literature in individuals affected with MYOM1-related conditions. ClinVar contains an entry for this variant (Variation ID: 847458). Invitae Evidence Modeling of protein sequence and biophysical properties (such as structural, functional, and spatial information, amino acid conservation, physicochemical variation, residue mobility, and thermodynamic stability) indicates that this missense variant is not expected to disrupt MYOM1 protein function with a negative predictive value of 80%. In summary, the available evidence is currently insufficient to determine the role of this variant in disease. Therefore, it has been classified as a Variant of Uncertain Significance.